The following is an entry in ClinVar:

NM_000937.5(POLR2A):c.5096A>C (p.Tyr1699Ser)

Gene: POLR2A (RNA polymerase II subunit A; plus strand). Cytogenetic location: 17p13.1.
Variant type: single nucleotide variant.
Coding change: c.5096A>C on transcript NM_000937.5 (MANE Select); coding-DNA position 5096, A replaced by C.
Protein change: p.Tyr1699Ser; replaces tyrosine 1699 with serine.
Molecular consequence: missense variant.
Genome position (GRCh38, 1-based): chr17:7,513,360, A>C. VCF-style: chr17-7513360-A-C. GRCh37 (hg19) VCF-style: chr17-7416679-A-C.
Other names: short protein forms Y1699S.
Identifiers: ClinVar variation 1194642 (VCV001194642.3), dbSNP rs1230128682, ClinGen allele CA397835568.

ClinVar aggregate classification (germline): Uncertain significance (1 of 4 stars; one submission).

Allele frequency attached by ClinVar (database versions not stated): gnomAD 0.00001.

Submission:

GeneDx
Classification: Uncertain significance. Last evaluated: 2024-09-30. Review status: criteria provided, single submitter. Criteria: GeneDx Variant Classification Process June 2021. Collection method: clinical testing. Allele origin: germline. Affected: yes.
Comment: In silico analysis supports that this missense variant has a deleterious effect on protein structure/function; Has not been previously published as pathogenic or benign to our knowledge